The following is an entry in ClinVar:

NM_001001344.3(ATP2B3):c.3654_3655insC (p.Ser1219fs)

Gene: ATP2B3 (ATPase plasma membrane Ca2+ transporting 3; plus strand). Cytogenetic location: Xq28.
Variant type: Insertion.
Coding change: c.3654_3655insC on transcript NM_001001344.3 (MANE Select); coding-DNA positions 3654 to 3655, C inserted.
Protein change: p.Ser1219fs; shifts the reading frame from serine 1219.
Molecular consequence: frameshift variant. On other transcripts: 3 prime UTR variant (2).
Genome position: GRCh38 VCF-style: chrX-153580289-G-GC. GRCh37 (hg19) VCF-style: chrX-152845747-G-GC.
Other names: c.*286_*287insC (NM_001388360.1, NM_021949.4); c.3654_3655insC, p.Ser1219fs (NM_001388361.1); short protein forms S1219fs.
Identifiers: ClinVar variation 4981500 (VCV004981500.1).

ClinVar aggregate classification (germline): Likely benign (1 of 4 stars; one submission).

Conditions:
ATP2B3-related disorder. Also called: ATP2B3-related condition.

Submission:

PreventionGenetics, part of Exact Sciences
Classification: Likely benign for ATP2B3-related condition. Last evaluated: 2025-04-21. Review status: criteria provided, single submitter. Criteria: ACMG Guidelines, 2015. Collection method: clinical testing. Allele origin: germline.
Comment: This variant is classified as likely benign based on ACMG/AMP sequence variant interpretation guidelines (Richards et al. 2015 PMID: 25741868, with internal and published modifications).